The following is an entry in ClinVar:

NM_213595.4(ISCU):c.41C>T (p.Ser14Leu)

Gene: ISCU (iron-sulfur cluster assembly enzyme; plus strand). Cytogenetic location: 12q23.3.
Variant type: single nucleotide variant.
Coding change: c.41C>T on transcript NM_213595.4 (MANE Select); coding-DNA position 41, C replaced by T.
Protein change: p.Ser14Leu; replaces serine 14 with leucine.
Molecular consequence: missense variant. On other transcripts: 5 prime UTR variant (1), non-coding transcript variant (1).
Genome position (GRCh38, 1-based): chr12:108,562,663, C>T. VCF-style: chr12-108562663-C-T. GRCh37 (hg19) VCF-style: chr12-108956439-C-T.
Other names: c.41C>T, p.Ser14Leu (NM_001301140.1, NM_001301141.1, NM_001320042.1); c.-131C>T (NM_014301.4); short protein forms S14L.
Identifiers: ClinVar variation 1471592 (VCV001471592.5), dbSNP rs750191026, ClinGen allele CA6768706.
Genomic context (GRCh38, chr12:108,562,663, plus strand): 5'-CGCAGGCGCAAGCCGGCAAGATGGCGGCGGCTGGGGCTTTCCGTCTGAGGCGGGCGGCAT[C>T]GGCTCTGCTGCTGCGGAGCCCCCGCCTGCCCGCCCGGGAGCTGTCGGCCCCGGCCCGACT-3'
Protein context (NP_998760.1, residues 4-24): AGAFRLRRAA[Ser14Leu]ALLLRSPRLP

ClinVar aggregate classification (germline): Uncertain significance (1 of 4 stars; one submission).

Allele frequency attached by ClinVar (database versions not stated): TOPMed 0.00001.
gnomAD v4.1: 47 of 1,453,568 alleles (0.0032%); highest among the groups gnomAD compares: East Asian, 0.0087%; no homozygotes.

Submission:

Labcorp Genetics (formerly Invitae), Labcorp
Classification: Uncertain significance. Last evaluated: 2021-08-14. Review status: criteria provided, single submitter. Criteria: Invitae Variant Classification Sherloc (09022015). Collection method: clinical testing. Allele origin: germline.
Comment: This sequence change replaces serine with leucine at codon 14 of the ISCU protein (p.Ser14Leu). The serine residue is weakly conserved and there is a large physicochemical difference between serine and leucine. The frequency data for this variant in the population databases is considered unreliable, as metrics indicate poor data quality at this position in the ExAC database. This variant has not been reported in the literature in individuals affected with ISCU-related conditions. Algorithms developed to predict the effect of missense changes on protein structure and function output the following: SIFT: "Tolerated"; PolyPhen-2: "Benign"; Align-GVGD: "Class C0". The leucine amino acid residue is found in multiple mammalian species, which suggests that this missense change does not adversely affect protein function. In summary, the available evidence is currently insufficient to determine the role of this variant in disease. Therefore, it has been classified as a Variant of Uncertain Significance.